The following is an entry in ClinVar:

ClinVar aggregate classification (germline): Uncertain significance. Review status: criteria provided, multiple submitters, no conflicts (2 of 4 stars). 2 submissions from 2 submitters: Uncertain significance (2). Last evaluated 2025-08-15.

Conditions:
Hereditary cancer-predisposing syndrome. Also called: Hereditary Cancer Syndrome; Tumor predisposition; Hereditary neoplastic syndrome; Neoplastic Syndromes, Hereditary. Identifiers: Orphanet 140162, MedGen C0027672, MeSH D009386, MONDO:0015356.
Cardiovascular phenotype. Identifiers: MedGen CN230736.

Allele frequency attached by ClinVar (database versions not stated): gnomAD exomes below 0.00001; gnomAD 0.00001; TOPMed 0.00001.
gnomAD v4.1: 4 of 1,613,982 alleles (0.00025%); highest among the groups gnomAD compares: African/African-American, 0.004%; no homozygotes.

Submissions (2):

Ambry Genetics
Classification: Uncertain significance for Cardiovascular phenotype; Hereditary cancer-predisposing syndrome. Last evaluated: 2025-08-15. Review status: criteria provided, single submitter. Criteria: Ambry Variant Classification Scheme 2023. Collection method: clinical testing. Allele origin: germline.
Comment: The p.V235A variant (also known as c.704T>C), located in coding exon 8 of the LZTR1 gene, results from a T to C substitution at nucleotide position 704. The valine at codon 235 is replaced by alanine, an amino acid with similar properties. This amino acid position is highly conserved in available vertebrate species. In addition, the in silico prediction for this alteration is inconclusive. Based on the available evidence, the clinical significance of this variant remains unclear.

Labcorp Genetics (formerly Invitae), Labcorp
Classification: Uncertain significance. Last evaluated: 2024-07-30. Review status: criteria provided, single submitter. Criteria: Invitae Variant Classification Sherloc (09022015). Collection method: clinical testing. Allele origin: germline.
Comment: This sequence change replaces valine, which is neutral and non-polar, with alanine, which is neutral and non-polar, at codon 235 of the LZTR1 protein (p.Val235Ala). This variant is present in population databases (no rsID available, gnomAD 0.01%). This variant has not been reported in the literature in individuals affected with LZTR1-related conditions. ClinVar contains an entry for this variant (Variation ID: 1417689). Advanced modeling of protein sequence and biophysical properties (such as structural, functional, and spatial information, amino acid conservation, physicochemical variation, residue mobility, and thermodynamic stability) performed at Invitae indicates that this missense variant is not expected to disrupt LZTR1 protein function with a negative predictive value of 80%. In summary, the available evidence is currently insufficient to determine the role of this variant in disease. Therefore, it has been classified as a Variant of Uncertain Significance.

NM_006767.4(LZTR1):c.704T>C (p.Val235Ala)

Gene: LZTR1 (leucine zipper like post translational regulator 1; plus strand). Cytogenetic location: 22q11.21.
Variant type: single nucleotide variant.
Coding change: c.704T>C on transcript NM_006767.4 (MANE Select); coding-DNA position 704, T replaced by C.
Protein change: p.Val235Ala; replaces valine 235 with alanine.
Molecular consequence: missense variant.
Genome position (GRCh38, 1-based): chr22:20,990,438, T>C. VCF-style: chr22-20990438-T-C. GRCh37 (hg19) VCF-style: chr22-21344727-T-C.
Other names: short protein forms V235A.
Identifiers: ClinVar variation 1417689 (VCV001417689.8), dbSNP rs1413588941, ClinGen allele CA410780521.